The following is an entry in ClinVar:

ClinVar aggregate classification (germline): Conflicting classifications of pathogenicity. Review status: criteria provided, conflicting classifications (1 of 4 stars). 4 submissions from 4 submitters: Uncertain significance (2); Benign (1); Likely benign (1). Last evaluated 2025-12-23.

Conditions:
Decreased response to growth hormone stimulation test. Also called: Growth hormone deficiency. Identifiers: MedGen C5539399, HP:0000824.

Allele frequency attached by ClinVar (database versions not stated): ESP Exome Variant Server 0.00023; gnomAD 0.00029; TOPMed 0.00040.
gnomAD v4.1: 638 of 1,613,850 alleles (0.04%); highest among the groups gnomAD compares: Non-Finnish European, 0.049%; no homozygotes.

Submissions (4):

Labcorp Genetics (formerly Invitae), Labcorp
Classification: Likely benign. Last evaluated: 2025-12-23. Review status: criteria provided, single submitter. Criteria: Invitae Variant Classification Sherloc (09022015). Collection method: clinical testing. Allele origin: germline.

Women's Health and Genetics/Laboratory Corporation of America, LabCorp
Classification: Benign. Last evaluated: 2024-04-18. Review status: criteria provided, single submitter. Criteria: LabCorp Variant Classification Summary - May 2015. Collection method: clinical testing. Allele origin: germline.

Eurofins Ntd Llc (ga)
Classification: Uncertain significance. Last evaluated: 2018-09-06. Review status: criteria provided, single submitter. Criteria: EGL ClinVar v180209 classification definitions. Collection method: clinical testing. Allele origin: germline. Observed: 1 variant allele, 1 heterozygote.

Illumina Laboratory Services, Illumina
Classification: Uncertain significance for Growth hormone deficiency. Last evaluated: 2017-04-27. Review status: criteria provided, single submitter. Criteria: ICSL Variant Classification Criteria 13 December 2019. Collection method: clinical testing. Allele origin: germline.
Comment: This variant was observed as part of a predisposition screen in an ostensibly healthy population. A literature search was performed for the gene, cDNA change, and amino acid change (where applicable). Publications were found based on this search. However, the evidence from the literature, in combination with allele frequency data from public databases where available, was not sufficient to rule this variant in or out of causing disease. Therefore, this variant is classified as a variant of unknown significance.

Literature cited by the submitters: PubMed 18785993 (cited by Illumina Laboratory Services, Illumina).

NM_000515.5(GH1):c.597C>G (p.Val199=)

Genes: GH-LCR (growth hormone locus control region; plus strand), GH1 (growth hormone 1; minus strand). Cytogenetic location: 17q23.3.
Variant type: single nucleotide variant.
Coding change: c.597C>G on transcript NM_000515.5 (MANE Select); coding-DNA position 597, C replaced by G.
Protein change: p.Val199=; no amino-acid change (valine 199 retained).
Molecular consequence: synonymous variant.
Genome position (GRCh38, 1-based): chr17:63,917,366, G>C on the plus strand (C>G on the coding strand, the complement: GH1 is on the minus strand). VCF-style: chr17-63917366-G-C. GRCh37 (hg19) VCF-style: chr17-61994726-G-C.
Other names: c.552C>G, p.Val184= (NM_022559.4); c.477C>G, p.Val159= (NM_022560.4).
Identifiers: ClinVar variation 598615 (VCV000598615.14), dbSNP rs142704768, ClinGen allele CA8708113.